The following is an entry in ClinVar:

NM_002890.3(RASA1):c.2724del (p.Ile909fs)

Genes: CCNH (cyclin H; minus strand), RASA1 (RAS p21 protein activator 1; plus strand). Cytogenetic location: 5q14.3.
Variant type: Deletion.
Coding change: c.2724del on transcript NM_002890.3 (MANE Select); coding-DNA position 2724, one base deleted (C; older notation c.2724delC).
Protein change: p.Ile909fs; shifts the reading frame from isoleucine 909.
Molecular consequence: frameshift variant. On other transcripts: intron variant (1).
Genome position (GRCh38, 1-based): chr5:87,383,746, C deleted; the last of 2 consecutive C bases (chr5:87,383,745-87,383,746); deleting either gives the same sequence. VCF-style (leftmost placement, unchanged base first): chr5-87383744-GC-G. GRCh37 (hg19) VCF-style: chr5-86679561-GC-G.
Other names: c.2193del, p.Ile732fs (NM_022650.3); c.933+11299del (NM_001364075.2); short protein forms I732fs, I909fs.
Identifiers: ClinVar variation 2815386 (VCV002815386.3), dbSNP rs2531373996, ClinGen allele CA2739274961.
Genomic context (GRCh38, chr5:87,383,744, plus strand): 5'-AAAAAAAAAAAAATTTCCCTCCCATTCAGTGGTTTTGTTTTTCTTCGACTCATCTGTCCT[GC>G]CATCCTGAATCCACGGATGTTCAATATCATCTCAGGTAATCAGCTTTTGATACATTTTGA-3'

ClinVar aggregate classification (germline): Pathogenic (1 of 4 stars; one submission).

Conditions:
Capillary malformation-arteriovenous malformation syndrome. Also called: Capillary malformation-arteriovenous malformation. Identifiers: Orphanet 137667, MedGen C1842180, MONDO:0012016.

Submission:

Labcorp Genetics (formerly Invitae), Labcorp
Classification: Pathogenic for Capillary malformation-arteriovenous malformation syndrome. Last evaluated: 2023-12-12. Review status: criteria provided, single submitter. Criteria: Invitae Variant Classification Sherloc (09022015). Collection method: clinical testing. Allele origin: germline.
Comment: This sequence change creates a premature translational stop signal (p.Ile909Serfs*2) in the RASA1 gene. It is expected to result in an absent or disrupted protein product. Loss-of-function variants in RASA1 are known to be pathogenic (PMID: 24038909). This variant is not present in population databases (gnomAD no frequency). This variant has not been reported in the literature in individuals affected with RASA1-related conditions. For these reasons, this variant has been classified as Pathogenic.

Literature cited by the submitters: PubMed 24038909.